The following is an entry in ClinVar:

NM_014989.7(RIMS1):c.3737+4G>A

Gene: RIMS1 (regulating synaptic membrane exocytosis 1; plus strand). Cytogenetic location: 6q13.
Variant type: single nucleotide variant.
Coding change: c.3737+4G>A on transcript NM_014989.7 (MANE Select); 4 bases into the intron after coding-DNA position 3737, G replaced by A.
Molecular consequence: intron variant.
Genome position (GRCh38, 1-based): chr6:72,290,865, G>A. VCF-style: chr6-72290865-G-A. GRCh37 (hg19) VCF-style: chr6-73000568-G-A.
Other names: c.1632-1069G>A (NM_001350428.2); c.1560-1069G>A (NM_001350459.2, NM_001350424.2); c.1641-1069G>A (NM_001350437.2); c.1629-1069G>A (NM_001350430.2, NM_001350414.2, NM_001350439.2 and 2 more transcripts); c.1557-1069G>A (NM_001350421.2, NM_001350450.2); c.1707-1069G>A (NM_001350458.2); c.1785-1069G>A (NM_001350433.2); c.1883+4G>A (NM_001350446.2, NM_001350442.2); and 31 more.
Identifiers: ClinVar variation 1396410 (VCV001396410.7), dbSNP rs1470043085, ClinGen allele CA2573141113.

ClinVar aggregate classification (germline): Uncertain significance. Review status: criteria provided, multiple submitters, no conflicts (2 of 4 stars). 2 submissions from 2 submitters: Uncertain significance (2). Last evaluated 2024-06-26.

gnomAD v4.1: 11 of 1,611,370 alleles (0.00068%); highest among the groups gnomAD compares: South Asian, 0.0022%; no homozygotes.

Submissions (2):

Labcorp Genetics (formerly Invitae), Labcorp
Classification: Uncertain significance. Last evaluated: 2024-06-26. Review status: criteria provided, single submitter. Criteria: Invitae Variant Classification Sherloc (09022015). Collection method: clinical testing. Allele origin: germline.
Comment: This sequence change falls in intron 25 of the RIMS1 gene. It does not directly change the encoded amino acid sequence of the RIMS1 protein. It affects a nucleotide within the consensus splice site. This variant is not present in population databases (gnomAD no frequency). This variant has not been reported in the literature in individuals affected with RIMS1-related conditions. ClinVar contains an entry for this variant (Variation ID: 1396410). Variants that disrupt the consensus splice site are a relatively common cause of aberrant splicing (PMID: 17576681, 9536098). Algorithms developed to predict the effect of sequence changes on RNA splicing suggest that this variant is not likely to affect RNA splicing. In summary, the available evidence is currently insufficient to determine the role of this variant in disease. Therefore, it has been classified as a Variant of Uncertain Significance.

Blueprint Genetics
Classification: Uncertain significance. Last evaluated: 2024-06-17. Review status: criteria provided, single submitter. Criteria: ACMG Guidelines, 2015. Collection method: clinical testing. Allele origin: germline.

Literature cited by the submitters: PubMed 17576681 (cited by Labcorp Genetics (formerly Invitae), Labcorp); PubMed 9536098 (cited by Labcorp Genetics (formerly Invitae), Labcorp).